The following is an entry in ClinVar:

NM_016648.4(LARP7):c.723G>A (p.Met241Ile)

Genes: LARP7 (La ribonucleoprotein 7, transcriptional regulator; plus strand), MIR302CHG (miR-302/367 cluster host gene; minus strand). Cytogenetic location: 4q25.
Variant type: single nucleotide variant.
Coding change: c.723G>A on transcript NM_016648.4 (MANE Select); coding-DNA position 723, G replaced by A.
Protein change: p.Met241Ile; replaces methionine 241 with isoleucine.
Molecular consequence: missense variant.
Genome position (GRCh38, 1-based): chr4:112,647,275, G>A. VCF-style: chr4-112647275-G-A. GRCh37 (hg19) VCF-style: chr4-113568431-G-A.
Other names: c.723G>A, p.Met241Ile (NM_001267039.4, NM_001370974.1, NM_001370975.1 and 2 more transcripts); c.720G>A, p.Met240Ile (NM_001370976.1, NM_001370977.1, NM_001370979.1 and 1 more transcripts); c.486G>A, p.Met162Ile (NM_001370981.1, NM_001370982.1); short protein forms M240I, M241I, M162I.
Identifiers: ClinVar variation 1514991 (VCV001514991.3), dbSNP rs755277679, ClinGen allele CA3049250.

ClinVar aggregate classification (germline): Uncertain significance (1 of 4 stars; one submission).

Allele frequency attached by ClinVar (database versions not stated): ExAC 0.00001; gnomAD exomes 0.00001 and 0.00004; TOPMed 0.00001; gnomAD 0.00002.
gnomAD v4.1: 56 of 1,613,212 alleles (0.0035%); highest among the groups gnomAD compares: Non-Finnish European, 0.0045%; no homozygotes.

Submission:

Labcorp Genetics (formerly Invitae), Labcorp
Classification: Uncertain significance. Last evaluated: 2021-11-02. Review status: criteria provided, single submitter. Criteria: Invitae Variant Classification Sherloc (09022015). Collection method: clinical testing. Allele origin: germline.
Comment: This sequence change replaces methionine, which is neutral and non-polar, with isoleucine, which is neutral and non-polar, at codon 241 of the LARP7 protein (p.Met241Ile). This variant is present in population databases (rs755277679, gnomAD 0.002%). This variant has not been reported in the literature in individuals affected with LARP7-related conditions. Algorithms developed to predict the effect of missense changes on protein structure and function output the following: SIFT: "Tolerated"; PolyPhen-2: "Benign"; Align-GVGD: "Class C0". The isoleucine amino acid residue is found in multiple mammalian species, which suggests that this missense change does not adversely affect protein function. In summary, the available evidence is currently insufficient to determine the role of this variant in disease. Therefore, it has been classified as a Variant of Uncertain Significance.